The following is an entry in ClinVar:

ClinVar aggregate classification (germline): Pathogenic (1 of 4 stars; one submission).

Submission:

GeneDx
Classification: Pathogenic. Last evaluated: 2025-04-24. Review status: criteria provided, single submitter. Criteria: GeneDx Variant Classification Process June 2021. Collection method: clinical testing. Allele origin: germline. Affected: yes.
Comment: Not observed at significant frequency in large population cohorts (gnomAD); In silico analysis supports that this missense variant has a deleterious effect on protein structure/function; Has not been previously published as pathogenic or benign to our knowledge; This variant is associated with the following publications: (PMID: 27527380, 30582250)

NM_001184880.2(PCDH19):c.964G>A (p.Gly322Arg)

Gene: PCDH19 (protocadherin 19; minus strand). Cytogenetic location: Xq22.1.
Variant type: single nucleotide variant.
Coding change: c.964G>A on transcript NM_001184880.2 (MANE Select); coding-DNA position 964, G replaced by A.
Protein change: p.Gly322Arg; replaces glycine 322 with arginine.
Molecular consequence: missense variant.
Genome position (GRCh38, 1-based): chrX:100,407,634, C>T on the plus strand (G>A on the coding strand, the complement: PCDH19 is on the minus strand). VCF-style: chrX-100407634-C-T. GRCh37 (hg19) VCF-style: chrX-99662632-C-T.
Other names: c.964G>A, p.Gly322Arg (NM_001105243.2, NM_020766.3); short protein forms G322R.
Identifiers: ClinVar variation 4528267 (VCV004528267.1).